The following is an entry in ClinVar:

NM_000142.5(FGFR3):c.833A>G (p.Tyr278Cys)

Gene: FGFR3 (fibroblast growth factor receptor 3; plus strand). Cytogenetic location: 4p16.3.
Variant type: single nucleotide variant.
Coding change: c.833A>G on transcript NM_000142.5 (MANE Select); coding-DNA position 833, A replaced by G.
Protein change: p.Tyr278Cys; replaces tyrosine 278 with cysteine.
Molecular consequence: missense variant. On other transcripts: non-coding transcript variant (1).
Genome position (GRCh38, 1-based): chr4:1,801,928, A>G. VCF-style: chr4-1801928-A-G. GRCh37 (hg19) VCF-style: chr4-1803655-A-G.
Other names: c.829A>G; c.833A>G, p.Tyr278Cys (NM_001163213.2, NM_001354809.2, NM_001354810.2 and 1 more transcripts); short protein forms Y278C.
Identifiers: ClinVar variation 16357 (VCV000016357.14), dbSNP rs121913115, ClinGen allele CA341422.
Genomic context (GRCh38, chr4:1,801,928, plus strand): 5'-GGCTGCCGGCCAACCAGACGGCGGTGCTGGGCAGCGACGTGGAGTTCCACTGCAAGGTGT[A>G]CAGTGACGCACAGCCCCACATCCAGTGGCTCAAGCACGTGGAGGTGAATGGCAGCAAGGT-3'
Protein context (NP_000133.1, residues 268-288): GSDVEFHCKV[Tyr278Cys]SDAQPHIQWL

ClinVar aggregate classification (germline): Pathogenic/Likely pathogenic. Review status: criteria provided, multiple submitters, no conflicts (2 of 4 stars). 8 submissions from 8 submitters: Pathogenic (5); Likely pathogenic (1). 2 of the submissions do not count toward it. Last evaluated 2026-06-23.

Conditions:
FGFR3-related disorder. Also called: FGFR3-related disorders.
FGFR3-related chondrodysplasia. Identifiers: Orphanet 93420, MedGen C5681604, MONDO:0019685.
Hypochondroplasia (HCH). Identifiers: Orphanet 429, MedGen C0410529, MONDO:0007793, OMIM 146000. Disease mechanism: gain of function.
Short stature. Identifiers: HP:0003518, MedGen C0349588.

Submissions (8):

Genomenon, Inc
Classification: Pathogenic for FGFR3-related chondrodysplasia. Last evaluated: 2026-06-23. Review status: criteria provided, single submitter. Criteria: Genomenon Sequence Variant Interpretation Standards - Updated. Collection method: curation. Allele origin: germline. Affected: yes.
Comment: FGFR3 p.Tyr278Cys (c.833A>G) is a missense variant that changes the amino acid at codon 278 from Tyrosine to Cysteine. This variant has been observed in at least one proband with an FGFR3-related disorder (PMID:37814549;27257098;29595812;16912704;22903874;24411048). A de novo occurrence of this variant has been observed in at least one affected individual (PMID:29595812;16912704;24411048). It is absent or not present at a significant frequency in gnomAD. In silico models predict that this variant is possibly or probably damaging. In conclusion, we classify FGFR3 p.Tyr278Cys (c.833A>G) as a pathogenic variant.

PreventionGenetics, part of Exact Sciences
Classification: Pathogenic for FGFR3-related condition. Last evaluated: 2026-04-15. Review status: criteria provided, single submitter. Criteria: ACMG Guidelines, 2015. Collection method: clinical testing. Allele origin: germline.
Comment: The FGFR3 c.833A>G variant is predicted to result in the amino acid substitution p.Tyr278Cys. This variant has been reported, in some cases as occurring de novo, in individuals with hypochondroplasia and/or achondroplasia (Heuertz et al. 2006. PubMed ID: 16912704; Chen et al. 2013. PubMed ID: 24411048; Zhao et al. 2015. PubMed ID: 26770560; Chandler et al. 2018. PubMed ID: 29595812). This variant has not been reported in a large population database (gnomAD), indicating this variant is rare, and it is classified as pathogenic/likely pathogenic in ClinVar (Variation ID: 16357). This variant is interpreted as pathogenic.

Labcorp Genetics (formerly Invitae), Labcorp
Classification: Pathogenic. Last evaluated: 2025-01-20. Review status: criteria provided, single submitter. Criteria: Invitae Variant Classification Sherloc (09022015). Collection method: clinical testing. Allele origin: germline.
Comment: This sequence change replaces tyrosine, which is neutral and polar, with cysteine, which is neutral and slightly polar, at codon 278 of the FGFR3 protein (p.Tyr278Cys). This variant is not present in population databases (gnomAD no frequency). This missense change has been observed in individual(s) with hypochondroplasia (PMID: 16912704, 24411048, 29595812). In at least one individual the variant was observed to be de novo. ClinVar contains an entry for this variant (Variation ID: 16357). Invitae Evidence Modeling incorporating data from in vitro experimental studies (internal data) indicates that this missense variant is expected to disrupt FGFR3 function with a positive predictive value of 95%. For these reasons, this variant has been classified as Pathogenic.

ARUP Laboratories, Molecular Genetics and Genomics, ARUP Laboratories
Classification: Likely pathogenic. Last evaluated: 2024-10-23. Review status: criteria provided, single submitter. Criteria: ARUP Molecular Germline Variant Investigation Process 2024. Collection method: clinical testing. Allele origin: germline.
Comment: The FGFR3 c.833A>G; p.Tyr278Cys variant (rs121913115, ClinVar Variation ID: 16357) is reported in the literature in individuals affected with achondroplasia and hypochondroplasia (Chandler 2018, Chen 2013, Cheung 2024, Heuertz 2006, Zhao 2015). This variant is absent from the Genome Aggregation Database (v2.1.1), indicating it is not a common polymorphism. Computational analyses predict that this variant is deleterious (REVEL: 0.785). Based on available information, this variant is considered to be likely pathogenic. References: Chandler N et al. Rapid prenatal diagnosis using targeted exome sequencing: a cohort study to assess feasibility and potential impact on prenatal counseling and pregnancy management. Genet Med. 2018 Nov;20(11):1430-1437. PMID: 29595812. Chen CP et al. Detection of a de novo Y278C mutation in FGFR3 in a pregnancy with severe fetal hypochondroplasia: prenatal diagnosis and literature review. Taiwan J Obstet Gynecol. 2013 Dec;52(4):580-5. PMID: 24411048. Cheung MS et al. Growth reference charts for children with hypochondroplasia. Am J Med Genet A. 2024 Feb;194(2):243-252. PMID: 37814549. Heuertz S et al. Novel FGFR3 mutations creating cysteine residues in the extracellular domain of the receptor cause achondroplasia or severe forms of hypochondroplasia. Eur J Hum Genet. 2006 Dec;14(12):1240-7. PMID: 16912704. Zhao R et al. Whole-exome sequencing and whole genome re-sequencing for prenatal diagnosis of achondroplasia. Int J Clin Exp Med. 2015 Oct 15;8(10):19241-9. PMID: 26770560.

GeneDx
Classification: Pathogenic. Last evaluated: 2024-08-23. Review status: criteria provided, single submitter. Criteria: GeneDx Variant Classification Process June 2021. Collection method: clinical testing. Allele origin: germline. Affected: yes.
Comment: Not observed at significant frequency in large population cohorts (gnomAD); In silico analysis supports that this missense variant has a deleterious effect on protein structure/function; This variant is associated with the following publications: (PMID: 24411048, 24229583, 26770560, 29595812, 16912704)

Centre for Mendelian Genomics, University Medical Centre Ljubljana
Classification: Pathogenic for Short stature. Last evaluated: 2015-06-23. Review status: criteria provided, single submitter. Criteria: ACMG Guidelines, 2015. Collection method: clinical testing. Allele origin: unknown. Affected: yes.

OMIM
Classification: Pathogenic for HYPOCHONDROPLASIA. Last evaluated: 2006-12-01. Review status: no assertion criteria provided. Collection method: literature only. Allele origin: germline. Not counted in ClinVar's aggregate classification.

GeneReviews
No classification provided. Condition: Hypochondroplasia. Review status: no classification provided. Collection method: literature only. Allele origin: germline. Not counted in ClinVar's aggregate classification.
Comment: Phenotype resembles achondroplasia in newborns [Heuertz et al 2006, Song et al 2012].

Literature cited by the submitters: PubMed 37814549 (cited by Genomenon, Inc); PubMed 27257098 (cited by Genomenon, Inc); PubMed 29595812 (cited by Genomenon, Inc and Labcorp Genetics (formerly Invitae), Labcorp); PubMed 16912704 (cited by 4 submitters); PubMed 22903874 (cited by Genomenon, Inc and GeneReviews); PubMed 24411048 (cited by Genomenon, Inc and Labcorp Genetics (formerly Invitae), Labcorp); PubMed 39831619 (cited by Genomenon, Inc); PubMed 26770560 (cited by Genomenon, Inc); PubMed 25614871 (cited by Genomenon, Inc); PubMed 29542187 (cited by Genomenon, Inc); PubMed 38281003 (cited by Genomenon, Inc); PubMed 33051983 (cited by Genomenon, Inc); PubMed 30681580 (cited by Genomenon, Inc); PubMed 29736252 (cited by Genomenon, Inc); PubMed 27028100 (cited by Genomenon, Inc); PubMed 17895900 (cited by Genomenon, Inc); PubMed 22302603 (cited by Genomenon, Inc); PubMed 26126848 (cited by Genomenon, Inc); NCBI Bookshelf NBK1477 (cited by GeneReviews).